The following is an entry in ClinVar:

NM_001079866.2(BCS1L):c.785_786del (p.Leu261_Ser262insTer)

Gene: BCS1L (BCS1 ubiquinol-cytochrome c reductase complex chaperone; plus strand). Cytogenetic location: 2q35.
Variant type: Microsatellite.
Coding change: c.785_786del on transcript NM_001079866.2 (MANE Select); coding-DNA positions 785 to 786, 2 bases deleted (CT; older notation c.785_786delCT).
Protein change: p.Leu261_Ser262insTer.
Molecular consequence: nonsense. On other transcripts: non-coding transcript variant (1).
Genome position (GRCh38, 1-based): chr2:218,662,575-218,662,576, CT deleted; deleting any 2 consecutive bases within chr2:218,662,571-218,662,576 gives the same sequence; the c. name uses the placement nearest the transcript's 3' end. VCF-style (leftmost placement, unchanged base first): chr2-218662570-CCT-C. GRCh37 (hg19) VCF-style: chr2-219527293-CCT-C.
Other names: c.284_285del, p.Leu94_Ser95insTer (NM_001371452.1, NM_001371453.1, NM_001371454.1 and 3 more transcripts); c.785_786del, p.Leu261_Ser262insTer (NM_001374085.1, NM_004328.5, NM_001257342.2 and 10 more transcripts); c.425_426del, p.Leu141_Ser142insTer (NM_001318836.2, NM_001371451.1); c.785_786delCT (NM_004328.4).
Identifiers: ClinVar variation 520622 (VCV000520622.10), dbSNP rs1553597538, ClinGen allele CA658796174.

ClinVar aggregate classification (germline): Pathogenic. Review status: criteria provided, multiple submitters, no conflicts (2 of 4 stars). 3 submissions from 3 submitters: Pathogenic (3). Last evaluated 2025-06-12.

Conditions:
GRACILE syndrome (FLNMS). Also called: FELLMAN SYNDROME; FINNISH LETHAL NEONATAL METABOLIC SYNDROME. Identifiers: Orphanet 53693, MedGen C1864002, MONDO:0011308, OMIM 603358.
Inborn genetic diseases. Identifiers: MedGen C0950123, MeSH D030342.

Submissions (3):

Natera, Inc.
Classification: Pathogenic for GRACILE syndrome. Last evaluated: 2025-06-12. Review status: criteria provided, single submitter. Criteria: Natera Variant Classification Schema (03/2026). Collection method: clinical testing. Allele origin: germline.
Comment: The c.785_786delCT variant in BCS1L is a frameshift variant predicted to shift the reading frame and introduce a stop codon. This variant is expected to result in nonsense mediated decay, truncation, or a dysfunctional protein product. This variant is rare in the general population with a frequency below the threshold expected for the associated phenotype(s). This variant has been observed in one or more individuals affected with the associated recessive disease, as either homozygous or compound heterozygous with a second variant (PMID: 34662929). Given the available evidence, this variant is classified as Pathogenic.

Labcorp Genetics (formerly Invitae), Labcorp
Classification: Pathogenic. Last evaluated: 2021-03-17. Review status: criteria provided, single submitter. Criteria: Invitae Variant Classification Sherloc (09022015). Collection method: clinical testing. Allele origin: germline.
Comment: For these reasons, this variant has been classified as Pathogenic. This variant has not been reported in the literature in individuals with BCS1L-related conditions. ClinVar contains an entry for this variant (Variation ID: 520622). This variant is not present in population databases (ExAC no frequency). This sequence change creates a premature translational stop signal (p.Ser262*) in the BCS1L gene. It is expected to result in an absent or disrupted protein product. Loss-of-function variants in BCS1L are known to be pathogenic (PMID: 17314340, 25895478).

Ambry Genetics
Classification: Pathogenic for Inborn genetic diseases. Last evaluated: 2015-03-11. Review status: criteria provided, single submitter. Criteria: Ambry exome assertion method (8-5-2015). Collection method: clinical testing. Allele origin: germline. Affected: yes. Observed: 1 variant allele.

Literature cited by the submitters: PubMed 34662929 (cited by Natera, Inc.); PubMed 17314340 (cited by Labcorp Genetics (formerly Invitae), Labcorp); PubMed 25895478 (cited by Labcorp Genetics (formerly Invitae), Labcorp).